The following is an entry in ClinVar:

ClinVar aggregate classification (germline): Likely benign. Review status: criteria provided, multiple submitters, no conflicts (2 of 4 stars). 3 submissions from 3 submitters: Likely benign (3). Last evaluated 2026-01-12.

Conditions:
Cardiovascular phenotype. Identifiers: MedGen CN230736.
TTN-related disorder. Also called: TTN-related disorders; TTN-related condition; TTN-related disease.
Dilated cardiomyopathy 1G (CMD1G). Identifiers: Orphanet 154, MedGen C1858763, MONDO:0011400, OMIM 604145.
Autosomal recessive limb-girdle muscular dystrophy type 2J (LGMDR10). Also called: Limb-girdle muscular dystrophy, type 2J; MUSCULAR DYSTROPHY, LIMB-GIRDLE, AUTOSOMAL RECESSIVE 10. Identifiers: Orphanet 140922, MedGen C1837342, MONDO:0012127, OMIM 608807.

Allele frequency attached by ClinVar (database versions not stated): ExAC 0.00001; gnomAD exomes 0.00001; gnomAD 0.00007 and 0.00009; TOPMed 0.00011.
gnomAD v4.1: 20 of 1,613,606 alleles (0.0012%); highest among the groups gnomAD compares: African/African-American, 0.025%; no homozygotes.

Submissions (3):

Labcorp Genetics (formerly Invitae), Labcorp
Classification: Likely benign for Dilated cardiomyopathy 1G; Autosomal recessive limb-girdle muscular dystrophy type 2J. Last evaluated: 2026-01-12. Review status: criteria provided, single submitter. Criteria: Invitae Variant Classification Sherloc (09022015). Collection method: clinical testing. Allele origin: germline.

PreventionGenetics, part of Exact Sciences
Classification: Likely benign for TTN-related condition. Last evaluated: 2025-06-18. Review status: criteria provided, single submitter. Criteria: ACMG Guidelines, 2015. Collection method: clinical testing. Allele origin: germline.
Comment: This variant is classified as likely benign based on ACMG/AMP sequence variant interpretation guidelines (Richards et al. 2015 PMID: 25741868, with internal and published modifications).

Ambry Genetics
Classification: Likely benign for Cardiovascular phenotype. Last evaluated: 2018-12-20. Review status: criteria provided, single submitter. Criteria: Ambry Variant Classification Scheme 2023. Collection method: clinical testing. Allele origin: germline.

NM_001267550.2(TTN):c.99660C>T (p.Tyr33220=)

Genes: TTN (titin; minus strand), TTN-AS1 (TTN antisense RNA 1; plus strand), LOC126806420 (BRD4-independent group 4 enhancer GRCh37_chr2:179401104-179402303; plus strand). Cytogenetic location: 2q31.2.
Variant type: single nucleotide variant.
Coding change: c.99660C>T on transcript NM_001267550.2 (MANE Select); coding-DNA position 99660, C replaced by T.
Protein change: p.Tyr33220=; no amino-acid change (tyrosine 33220 retained).
Molecular consequence: synonymous variant. On other transcripts: non-coding transcript variant (1).
Genome position (GRCh38, 1-based): chr2:178,537,547, G>A on the plus strand (C>T on the coding strand, the complement: TTN is on the minus strand). VCF-style: chr2-178537547-G-A. GRCh37 (hg19) VCF-style: chr2-179402274-G-A.
Other names: c.94737C>T, p.Tyr31579= (NM_001256850.1); c.72465C>T, p.Tyr24155= (NM_003319.4); c.91956C>T, p.Tyr30652= (NM_133378.4); c.72840C>T, p.Tyr24280= (NM_133432.3); c.73041C>T, p.Tyr24347= (NM_133437.4).
Identifiers: ClinVar variation 1153918 (VCV001153918.12), dbSNP rs763539794, ClinGen allele CA1986158.